The following is an entry in ClinVar:

ClinVar aggregate classification (germline): Uncertain significance (1 of 4 stars; one submission).

Submission:

Women's Health and Genetics/Laboratory Corporation of America, LabCorp
Classification: Uncertain significance. Last evaluated: 2025-10-02. Review status: criteria provided, single submitter. Criteria: LabCorp Variant Classification Summary - May 2015. Collection method: clinical testing. Allele origin: germline.
Comment: Variant summary: HNRNPU c.541A>C (p.Lys181Gln) results in a conservative amino acid change in the encoded protein sequence. Algorithms developed to predict the effect of missense changes on protein structure and function all suggest that this variant is likely to be tolerated. The variant was absent in 210860 control chromosomes. The available data on variant occurrences in the general population are insufficient to allow any conclusion about variant significance. To our knowledge, no occurrence of c.541A>C in individuals affected with HNRNPU-related conditions and no experimental evidence demonstrating its impact on protein function have been reported. No submitters have cited clinical-significance assessments for this variant to ClinVar. Based on the evidence outlined above, the variant was classified as uncertain significance.

NM_031844.3(HNRNPU):c.541A>C (p.Lys181Gln)

Gene: HNRNPU (heterogeneous nuclear ribonucleoprotein U; minus strand). Cytogenetic location: 1q44.
Variant type: single nucleotide variant.
Coding change: c.541A>C on transcript NM_031844.3 (MANE Select); coding-DNA position 541, A replaced by C.
Protein change: p.Lys181Gln; replaces lysine 181 with glutamine.
Molecular consequence: missense variant.
Genome position (GRCh38, 1-based): chr1:244,863,767, T>G on the plus strand (A>C on the coding strand, the complement: HNRNPU is on the minus strand). VCF-style: chr1-244863767-T-G. GRCh37 (hg19) VCF-style: chr1-245027069-T-G.
Other names: c.541A>C, p.Lys181Gln (NM_004501.3); short protein forms K181Q.
Identifiers: ClinVar variation 4687617 (VCV004687617.1).
Genomic context (GRCh38, chr1:244,863,767, plus strand): 5'-GCGGCGCCACCGTCACCGCGAACAGCGAGGTGGGGCCGCTGCTCTTCCCCGCGGCCTCCT[T>G]GGCGGCCCCGCGCTGCTGTTGGGGCTGTTGCTGCTGCGTCGCCGGCGGTTGAGGCTGCTG-3'
Protein context (NP_114032.2, residues 171-191): QQPQQQRGAA[Lys181Gln]EAAGKSSGPT